The following is an entry in ClinVar:

NM_014159.7(SETD2):c.5740A>G (p.Asn1914Asp)

Gene: SETD2 (SET domain containing 2, histone lysine methyltransferase; minus strand). Cytogenetic location: 3p21.31.
Variant type: single nucleotide variant.
Coding change: c.5740A>G on transcript NM_014159.7 (MANE Select); coding-DNA position 5740, A replaced by G.
Protein change: p.Asn1914Asp; replaces asparagine 1914 with aspartic acid.
Molecular consequence: missense variant. On other transcripts: non-coding transcript variant (1).
Genome position (GRCh38, 1-based): chr3:47,084,040, T>C on the plus strand (A>G on the coding strand, the complement: SETD2 is on the minus strand). VCF-style: chr3-47084040-T-C. GRCh37 (hg19) VCF-style: chr3-47125530-T-C.
Other names: c.5608A>G, p.Asn1870Asp (NM_001349370.3); short protein forms N1914D, N1870D.
Identifiers: ClinVar variation 2756756 (VCV002756756.3), dbSNP rs2545517819, ClinGen allele CA352534384.

ClinVar aggregate classification (germline): Uncertain significance (1 of 4 stars; one submission).

Conditions:
Luscan-Lumish syndrome. Identifiers: Orphanet 597738, MedGen C4085873, MONDO:0014791, OMIM 616831.

Submission:

Labcorp Genetics (formerly Invitae), Labcorp
Classification: Uncertain significance for Luscan-Lumish syndrome. Last evaluated: 2023-08-30. Review status: criteria provided, single submitter. Criteria: Invitae Variant Classification Sherloc (09022015). Collection method: clinical testing. Allele origin: germline.
Comment: In summary, the available evidence is currently insufficient to determine the role of this variant in disease. Therefore, it has been classified as a Variant of Uncertain Significance. Advanced modeling of protein sequence and biophysical properties (such as structural, functional, and spatial information, amino acid conservation, physicochemical variation, residue mobility, and thermodynamic stability) performed at Invitae indicates that this missense variant is not expected to disrupt SETD2 protein function. This variant has not been reported in the literature in individuals affected with SETD2-related conditions. This variant is not present in population databases (gnomAD no frequency). This sequence change replaces asparagine, which is neutral and polar, with aspartic acid, which is acidic and polar, at codon 1914 of the SETD2 protein (p.Asn1914Asp).